The following is an entry in ClinVar:

ClinVar aggregate classification (germline): Uncertain significance (1 of 4 stars; one submission).

Submission:

Women's Health and Genetics/Laboratory Corporation of America, LabCorp
Classification: Uncertain significance. Last evaluated: 2023-11-03. Review status: criteria provided, single submitter. Criteria: LabCorp Variant Classification Summary - May 2015. Collection method: clinical testing. Allele origin: germline.
Comment: Variant summary: UNC80 c.5341G>T (p.Val1781Phe) results in a non-conservative amino acid change in the encoded protein sequence. Four of five in-silico tools predict a damaging effect of the variant on protein function. The variant was absent in 158420 control chromosomes (gnomAD). The available data on variant occurrences in the general population are insufficient to allow any conclusion about variant significance. To our knowledge, no occurrence of c.5341G>T in individuals affected with Infantile Hypotonia With Psychomotor Retardation And Characteristic Facies 2 and no experimental evidence demonstrating its impact on protein function have been reported. No submitters have cited clinical-significance assessments for this variant to ClinVar after 2014. Based on the evidence outlined above, the variant was classified as uncertain significance.

NM_001371986.1(UNC80):c.5539G>T (p.Val1847Phe)

Gene: UNC80 (unc-80 homolog, NALCN channel complex subunit; plus strand). Cytogenetic location: 2q34.
Variant type: single nucleotide variant.
Coding change: c.5539G>T on transcript NM_001371986.1 (MANE Select); coding-DNA position 5539, G replaced by T.
Protein change: p.Val1847Phe; replaces valine 1847 with phenylalanine.
Molecular consequence: missense variant.
Genome position (GRCh38, 1-based): chr2:209,922,260, G>T. VCF-style: chr2-209922260-G-T. GRCh37 (hg19) VCF-style: chr2-210786984-G-T.
Other names: c.5341G>T, p.Val1781Phe (NM_032504.2); c.5326G>T, p.Val1776Phe (NM_182587.4); short protein forms V1776F, V1781F, V1847F.
Identifiers: ClinVar variation 2682316 (VCV002682316.1), dbSNP rs2471134214, ClinGen allele CA350762414.